The following is an entry in ClinVar:

NM_000264.5(PTCH1):c.3443T>G (p.Ile1148Ser)

Gene: PTCH1 (patched 1; minus strand). Cytogenetic location: 9q22.32.
Variant type: single nucleotide variant.
Coding change: c.3443T>G on transcript NM_000264.5 (MANE Select); coding-DNA position 3443, T replaced by G.
Protein change: p.Ile1148Ser; replaces isoleucine 1148 with serine.
Molecular consequence: missense variant. On other transcripts: non-coding transcript variant (1).
Genome position (GRCh38, 1-based): chr9:95,453,484, A>C on the plus strand (T>G on the coding strand, the complement: PTCH1 is on the minus strand). VCF-style: chr9-95453484-A-C. GRCh37 (hg19) VCF-style: chr9-98215766-A-C.
Other names: c.3245T>G, p.Ile1082Ser (NM_001083602.3); c.3440T>G, p.Ile1147Ser (NM_001083603.3); c.2990T>G, p.Ile997Ser (NM_001083604.3, NM_001083605.3, NM_001083606.3 and 1 more transcripts); c.3287T>G, p.Ile1096Ser (NM_001354918.2); short protein forms I1082S, I1096S, I1148S, I1147S, I997S.
Identifiers: ClinVar variation 2449648 (VCV002449648.2), dbSNP rs1838650766, ClinGen allele CA374111657.

ClinVar aggregate classification (germline): Uncertain significance (1 of 4 stars; one submission).

Conditions:
Hereditary cancer-predisposing syndrome. Also called: Neoplastic Syndromes, Hereditary; Tumor predisposition; Hereditary neoplastic syndrome; Hereditary Cancer Syndrome. Identifiers: Orphanet 140162, MedGen C0027672, MeSH D009386, MONDO:0015356.

Submission:

Ambry Genetics
Classification: Uncertain significance for Hereditary cancer-predisposing syndrome. Last evaluated: 2022-12-23. Review status: criteria provided, single submitter. Criteria: Ambry Variant Classification Scheme 2023. Collection method: clinical testing. Allele origin: germline.
Comment: The p.I1148S variant (also known as c.3443T>G), located in coding exon 20 of the PTCH1 gene, results from a T to G substitution at nucleotide position 3443. The isoleucine at codon 1148 is replaced by serine, an amino acid with dissimilar properties. This amino acid position is conserved. In addition, this alteration is predicted to be deleterious by in silico analysis. Since supporting evidence is limited at this time, the clinical significance of this alteration remains unclear.